The following is an entry in ClinVar:

ClinVar aggregate classification (germline): Uncertain significance. Review status: criteria provided, multiple submitters, no conflicts (2 of 4 stars). 2 submissions from 2 submitters: Uncertain significance (2). Last evaluated 2022-06-09.

Conditions:
Hereditary cancer-predisposing syndrome. Also called: Hereditary neoplastic syndrome; Neoplastic Syndromes, Hereditary; Hereditary Cancer Syndrome; Tumor predisposition. Identifiers: Orphanet 140162, MedGen C0027672, MeSH D009386, MONDO:0015356.
Gorlin syndrome. Also called: Nevoid Basal Cell Carcinoma Syndrome; Basal cell nevus syndrome. Identifiers: Orphanet 377, MedGen C0004779, MONDO:0007187.

Submissions (2):

Labcorp Genetics (formerly Invitae), Labcorp
Classification: Uncertain significance for Gorlin syndrome. Last evaluated: 2022-06-09. Review status: criteria provided, single submitter. Criteria: Invitae Variant Classification Sherloc (09022015). Collection method: clinical testing. Allele origin: germline.
Comment: In summary, the available evidence is currently insufficient to determine the role of this variant in disease. Therefore, it has been classified as a Variant of Uncertain Significance. Advanced modeling of protein sequence and biophysical properties (such as structural, functional, and spatial information, amino acid conservation, physicochemical variation, residue mobility, and thermodynamic stability) performed at Invitae indicates that this missense variant is not expected to disrupt PTCH1 protein function. This variant has not been reported in the literature in individuals affected with PTCH1-related conditions. This variant is not present in population databases (gnomAD no frequency). This sequence change replaces tyrosine, which is neutral and polar, with histidine, which is basic and polar, at codon 1401 of the PTCH1 protein (p.Tyr1401His).

Ambry Genetics
Classification: Uncertain significance for Hereditary cancer-predisposing syndrome. Last evaluated: 2022-01-08. Review status: criteria provided, single submitter. Criteria: Ambry Variant Classification Scheme 2023. Collection method: clinical testing. Allele origin: germline.
Comment: The p.Y1401H variant (also known as c.4201T>C), located in coding exon 23 of the PTCH1 gene, results from a T to C substitution at nucleotide position 4201. The tyrosine at codon 1401 is replaced by histidine, an amino acid with similar properties. This amino acid position is conserved. In addition, this alteration is predicted to be tolerated by in silico analysis. Since supporting evidence is limited at this time, the clinical significance of this alteration remains unclear.

NM_000264.5(PTCH1):c.4201T>C (p.Tyr1401His)

Gene: PTCH1 (patched 1; minus strand). Cytogenetic location: 9q22.32.
Variant type: single nucleotide variant.
Coding change: c.4201T>C on transcript NM_000264.5 (MANE Select); coding-DNA position 4201, T replaced by C.
Protein change: p.Tyr1401His; replaces tyrosine 1401 with histidine.
Molecular consequence: missense variant. On other transcripts: non-coding transcript variant (1).
Genome position (GRCh38, 1-based): chr9:95,447,055, A>G on the plus strand (T>C on the coding strand, the complement: PTCH1 is on the minus strand). VCF-style: chr9-95447055-A-G. GRCh37 (hg19) VCF-style: chr9-98209337-A-G.
Other names: c.4003T>C, p.Tyr1335His (NM_001083602.3); c.4198T>C, p.Tyr1400His (NM_001083603.3); c.3748T>C, p.Tyr1250His (NM_001083604.3, NM_001083605.3, NM_001083606.3 and 1 more transcripts); c.4045T>C, p.Tyr1349His (NM_001354918.2); short protein forms Y1250H, Y1400H, Y1349H, Y1401H, Y1335H.
Identifiers: ClinVar variation 1397386 (VCV001397386.8), dbSNP rs2136573477, ClinGen allele CA374110132.